The following is an entry in ClinVar:

ClinVar aggregate classification (germline): Likely pathogenic (3 of 4 stars; one submission).

Conditions:
Glanzmann thrombasthenia. Also called: BLEEDING DISORDER, PLATELET-TYPE, 2; THROMBASTHENIA OF GLANZMANN AND NAEGELI; PLATELET GLYCOPROTEIN IIb-IIIa DEFICIENCY; Glanzmann's thrombasthenia; Thrombasthenia. Identifiers: Orphanet 849, MedGen C0040015, MONDO:0100326.

Submission:

ClinGen Platelet Disorders Variant Curation Expert Panel, ClinGen
Classification: Likely pathogenic for Glanzmann thrombasthenia. Last evaluated: 2023-09-07. Review status: reviewed by expert panel. Criteria: ClinGen Platelet ACMG Specifications v2-1. Collection method: curation. Allele origin: germline. Inheritance: Autosomal recessive inheritance.
Comment: The missense variant NM_000419.5(ITGA2B):c.2864T>A (p.Leu955Gln) has been reported in one compound heterozygous proband (PMID: 25728920) with the Pathogenic variant c.1440-13_1440-1del (PM3_supporting). The patient meets the criteria for PP4_strong, including mucocutaneous bleeding, impaired aggregation with all agonists except ristocetin, and 5% surface expression of αIIbβ3 measured by flow cytometry. It is absent from population databases, including gnomADv2.1.1 (PM2_supporting) and multiple lines of computational evidence support a deleterious effect with a REVEL score of 0.843 (PP3). In summary, this variant meets criteria to be classified as uncertain significance for autosomal recessive Glanzmann thrombasthenia. GT-specific criteria applied: PM2_supporting, PP3, PM3_supporting, PP4_strong.

Literature cited by the submitters: PubMed 25728920.

NM_000419.5(ITGA2B):c.2864T>A (p.Leu955Gln)

Gene: ITGA2B (integrin subunit alpha 2b; minus strand). Cytogenetic location: 17q21.31.
Variant type: single nucleotide variant.
Coding change: c.2864T>A on transcript NM_000419.5 (MANE Select); coding-DNA position 2864, T replaced by A.
Protein change: p.Leu955Gln; replaces leucine 955 with glutamine.
Molecular consequence: missense variant.
Genome position (GRCh38, 1-based): chr17:44,374,738, A>T on the plus strand (T>A on the coding strand, the complement: ITGA2B is on the minus strand). VCF-style: chr17-44374738-A-T. GRCh37 (hg19) VCF-style: chr17-42452106-A-T.
Other names: short protein forms L955Q.
Identifiers: ClinVar variation 952997 (VCV000952997.4), dbSNP rs2048524687, ClinGen allele CA399791171.